The following is an entry in ClinVar:

NM_024649.5(BBS1):c.1320A>G (p.Arg440=)

Genes: ZDHHC24 (zDHHC palmitoyltransferase 24; minus strand), BBS1 (Bardet-Biedl syndrome 1; plus strand). Cytogenetic location: 11q13.2.
Variant type: single nucleotide variant.
Coding change: c.1320A>G on transcript NM_024649.5 (MANE Select); coding-DNA position 1320, A replaced by G.
Protein change: p.Arg440=; no amino-acid change (arginine 440 retained).
Molecular consequence: synonymous variant. On other transcripts: intron variant (1).
Genome position (GRCh38, 1-based): chr11:66,526,788, A>G. VCF-style: chr11-66526788-A-G. GRCh37 (hg19) VCF-style: chr11-66294259-A-G.
Other names: c.*21+148T>C (NM_001348571.2); c.1320A>G (NM_024649.4).
Identifiers: ClinVar variation 990493 (VCV000990493.12), dbSNP rs1430151544, ClinGen allele CA475337328.

ClinVar aggregate classification (germline): Likely benign. Review status: criteria provided, multiple submitters, no conflicts (2 of 4 stars). 4 submissions from 4 submitters: Likely benign (3). 1 of the submissions does not count toward it. Last evaluated 2025-05-27.

Conditions:
BBS1-related disorder. Also called: BBS1-related condition.
Bardet-Biedl syndrome (BBS). Identifiers: Orphanet 110, MedGen C0752166, MONDO:0015229.
Bardet-Biedl syndrome 1 (BBS1). Identifiers: MedGen C2936862, MONDO:0008854, OMIM 209900. Disease mechanism: loss of function.
Retinal dystrophy. Also called: Inherited retinal dystrophy. Identifiers: Orphanet 71862, MedGen C0854723, MeSH D058499, MONDO:0019118, HP:0000556.

Allele frequency attached by ClinVar (database versions not stated): gnomAD 0.00001; gnomAD exomes 0.00001 and 0.00002.
gnomAD v4.1: 38 of 1,614,118 alleles (0.0024%); highest among the groups gnomAD compares: East Asian, 0.082%; no homozygotes.

Submissions (4):

Labcorp Genetics (formerly Invitae), Labcorp
Classification: Likely benign for Bardet-Biedl syndrome. Last evaluated: 2025-05-27. Review status: criteria provided, single submitter. Criteria: Invitae Variant Classification Sherloc (09022015). Collection method: clinical testing. Allele origin: germline.

PreventionGenetics, part of Exact Sciences
Classification: Likely benign for BBS1-related condition. Last evaluated: 2025-03-26. Review status: criteria provided, single submitter. Criteria: ACMG Guidelines, 2015. Collection method: clinical testing. Allele origin: germline.
Comment: This variant is classified as likely benign based on ACMG/AMP sequence variant interpretation guidelines (Richards et al. 2015 PMID: 25741868, with internal and published modifications).

Dept Of Ophthalmology, Nagoya University
Classification: Likely benign for Retinal dystrophy. Last evaluated: 2023-10-01. Review status: criteria provided, single submitter. Criteria: Submitter's publication. Collection method: research. Allele origin: germline. Affected: yes.

Natera, Inc.
Classification: Uncertain significance for Bardet-Biedl syndrome type 1. Last evaluated: 2020-04-14. Review status: no assertion criteria provided. Collection method: clinical testing. Allele origin: germline. Not counted in ClinVar's aggregate classification.